The following is an entry in ClinVar:

ClinVar aggregate classification (germline): Uncertain significance (1 of 4 stars; one submission).

Conditions:
Shukla-Vernon syndrome. Identifiers: MedGen C5193146, MONDO:0026727, OMIM 301029.

Allele frequency attached by ClinVar (database versions not stated): gnomAD exomes 0.00002; TOPMed 0.00002; gnomAD 0.00003; ExAC 0.00005; 1000 Genomes Project 30x 0.00021; 1000 Genomes Project 0.00026.
gnomAD v4.1: 29 of 1,209,269 alleles (0.0024%); highest among the groups gnomAD compares: Middle Eastern, 0.046%; no homozygotes.

Submission:

Neuberg Centre For Genomic Medicine, NCGM
Classification: Uncertain significance for Shukla-Vernon syndrome. Review status: criteria provided, single submitter. Criteria: ACMG Guidelines, 2015. Collection method: clinical testing. Allele origin: germline. Inheritance: Autosomal recessive inheritance. Affected: yes.
Comment: The observed missense variant c.629C>T(p.Ser210Leu) in BCORL1 gene has not been reported previously as a pathogenic variant nor as a benign variant, to our knowledge. The c.629C>T variant has 0.004% allele frequency in gnomAD Exomes. The amino acid Serine at position 210 is changed to a Leucine changing protein sequence and it might alter its composition and physico-chemical properties. The variant is predicted to be damaging by SIFT. The amino acid change p.Ser210Leu in BCORL1 is predicted as conserved by GERP++ and PhyloP across 100 vertebrates. For these reasons, this variant has been classified as Uncertain Significance.

NM_001379451.1(BCORL1):c.629C>T (p.Ser210Leu)

Gene: BCORL1 (BCL6 corepressor like 1; plus strand). Cytogenetic location: Xq26.1.
Variant type: single nucleotide variant.
Coding change: c.629C>T on transcript NM_001379451.1 (MANE Select); coding-DNA position 629, C replaced by T.
Protein change: p.Ser210Leu; replaces serine 210 with leucine.
Molecular consequence: missense variant.
Genome position (GRCh38, 1-based): chrX:130,013,401, C>T. VCF-style: chrX-130013401-C-T. GRCh37 (hg19) VCF-style: chrX-129147377-C-T.
Other names: c.629C>T, p.Ser210Leu (NM_001184772.3, NM_001379450.1, NM_021946.5); short protein forms S210L.
Identifiers: ClinVar variation 3242169 (VCV003242169.1), dbSNP rs267606346.
Genomic context (GRCh38, chrX:130,013,401, plus strand): 5'-CCCTGGTTACCACTAACTTCAGTCCTCTGCCAGCCCCTATCTGTCCCCCTGCTCCCGGTT[C>T]GGCCTCTGTGCCCCACTCTGTTCCAGATGCATTCCAGGTTCCCCTCTCCGTCCCTGCCCC-3'
Protein context (NP_001366380.1, residues 200-220): PAPICPPAPG[Ser210Leu]ASVPHSVPDA